The following is an entry in ClinVar:

ClinVar aggregate classification (germline): Conflicting classifications of pathogenicity. Review status: criteria provided, conflicting classifications (1 of 4 stars). 4 submissions from 4 submitters: Uncertain significance (2); Likely benign (1). 1 of the submissions does not count toward it. Last evaluated 2026-08-03.

Conditions:
Marfan syndrome (MFS). Also called: MARFAN SYNDROME, TYPE I; Marfan syndrome type 1; Marfan's syndrome; Marfan syndrome, classic; FBN1-Related Marfan Syndrome. Identifiers: Orphanet 284963, Orphanet 558, MedGen C0024796, MONDO:0007947, OMIM 154700.
Familial thoracic aortic aneurysm and aortic dissection (TAAD). Also called: Thoracic aortic aneurysms and dissections. Identifiers: Orphanet 91387, MedGen C4707243, MONDO:0019625.
FBN1-related disorder. Also called: FBN1-related disorders.

Allele frequency attached by ClinVar (database versions not stated): TOPMed 0.00001; gnomAD 0.00002; gnomAD exomes below 0.00001.
gnomAD v4.1: 9 of 1,613,538 alleles (0.00056%); highest among the groups gnomAD compares: Admixed American, 0.0017%; no homozygotes.

Submissions (4):

Ambry Genetics
Classification: Uncertain significance for Familial thoracic aortic aneurysm and aortic dissection. Last evaluated: 2026-08-03. Review status: criteria provided, single submitter. Criteria: Ambry Variant Classification Scheme 2023. Collection method: clinical testing. Allele origin: germline.
Comment: The c.6616+5A>G intronic variant results from an A to G substitution 5 nucleotides after coding exon 53 in the FBN1 gene. This nucleotide position is poorly conserved in available vertebrate species. In silico splice site analysis predicts that this alteration will not have any significant effect on splicing. Based on the available evidence, the clinical significance of this variant remains unclear.

Labcorp Genetics (formerly Invitae), Labcorp
Classification: Uncertain significance for Marfan syndrome; Familial thoracic aortic aneurysm and aortic dissection. Last evaluated: 2026-01-26. Review status: criteria provided, single submitter. Criteria: Invitae Variant Classification Sherloc (09022015). Collection method: clinical testing. Allele origin: germline.
Comment: This sequence change falls in intron 54 of the FBN1 gene. It does not directly change the encoded amino acid sequence of the FBN1 protein. It affects a nucleotide within the consensus splice site. This variant is present in population databases (no rsID available, gnomAD 0.007%). This variant has not been reported in the literature in individuals affected with FBN1-related conditions. ClinVar contains an entry for this variant (Variation ID: 919291). Variants that disrupt the consensus splice site are a relatively common cause of aberrant splicing (PMID: 17576681, 9536098). Algorithms developed to predict the effect of sequence changes on RNA splicing suggest that this variant is not likely to affect RNA splicing. In summary, the available evidence is currently insufficient to determine the role of this variant in disease. Therefore, it has been classified as a Variant of Uncertain Significance.

Color Diagnostics, LLC DBA Color Health
Classification: Likely benign for Familial thoracic aortic aneurysm and aortic dissection. Last evaluated: 2019-01-13. Review status: criteria provided, single submitter. Criteria: ACMG Guidelines, 2015. Collection method: clinical testing. Allele origin: germline.

PreventionGenetics, part of Exact Sciences
Classification: Likely benign for FBN1-related condition. Last evaluated: 2021-02-16. Review status: no assertion criteria provided. Collection method: clinical testing. Allele origin: germline. Not counted in ClinVar's aggregate classification.
Comment: This variant is classified as likely benign based on ACMG/AMP sequence variant interpretation guidelines (Richards et al. 2015 PMID: 25741868, with internal and published modifications).

Literature cited by the submitters: PubMed 17576681 (cited by Labcorp Genetics (formerly Invitae), Labcorp); PubMed 9536098 (cited by Labcorp Genetics (formerly Invitae), Labcorp).

NM_000138.5(FBN1):c.6616+5A>G

Gene: FBN1 (fibrillin 1; minus strand). Cytogenetic location: 15q21.1.
Variant type: single nucleotide variant.
Coding change: c.6616+5A>G on transcript NM_000138.5 (MANE Select); 5 bases into the intron after coding-DNA position 6616, A replaced by G.
Molecular consequence: intron variant.
Genome position (GRCh38, 1-based): chr15:48,434,589, T>C on the plus strand (A>G on the coding strand, the complement: FBN1 is on the minus strand). VCF-style: chr15-48434589-T-C. GRCh37 (hg19) VCF-style: chr15-48726786-T-C.
Identifiers: ClinVar variation 919291 (VCV000919291.13), dbSNP rs1381778697, ClinGen allele CA617835043.